The following is an entry in ClinVar:

NM_001854.4(COL11A1):c.4457G>A (p.Gly1486Glu)

Gene: COL11A1 (collagen type XI alpha 1 chain; minus strand). Cytogenetic location: 1p21.1.
Variant type: single nucleotide variant.
Coding change: c.4457G>A on transcript NM_001854.4 (MANE Select); coding-DNA position 4457, G replaced by A.
Protein change: p.Gly1486Glu; replaces glycine 1486 with glutamic acid.
Molecular consequence: missense variant. On other transcripts: non-coding transcript variant (1).
Genome position (GRCh38, 1-based): chr1:102,889,462, C>T on the plus strand (G>A on the coding strand, the complement: COL11A1 is on the minus strand). VCF-style: chr1-102889462-C-T. GRCh37 (hg19) VCF-style: chr1-103355018-C-T.
Other names: c.4340G>A, p.Gly1447Glu (NM_001190709.2); c.4493G>A, p.Gly1498Glu (NM_080629.3); c.4109G>A, p.Gly1370Glu (NM_080630.4); short protein forms G1370E, G1486E, G1498E, G1447E.
Identifiers: ClinVar variation 3656157 (VCV003656157.2).

ClinVar aggregate classification (germline): Uncertain significance (1 of 4 stars; one submission).

Submission:

Labcorp Genetics (formerly Invitae), Labcorp
Classification: Uncertain significance. Last evaluated: 2024-06-10. Review status: criteria provided, single submitter. Criteria: Invitae Variant Classification Sherloc (09022015). Collection method: clinical testing. Allele origin: germline.
Comment: This sequence change replaces glycine, which is neutral and non-polar, with glutamic acid, which is acidic and polar, at codon 1486 of the COL11A1 protein (p.Gly1486Glu). This variant is not present in population databases (gnomAD no frequency). This missense change has been observed in individual(s) with clinical features of autosomal dominant Stickler syndrome (Invitae). Advanced modeling of protein sequence and biophysical properties (such as structural, functional, and spatial information, amino acid conservation, physicochemical variation, residue mobility, and thermodynamic stability) performed at Invitae indicates that this missense variant is expected to disrupt COL11A1 protein function with a positive predictive value of 80%. In summary, the available evidence is currently insufficient to determine the role of this variant in disease. Therefore, it has been classified as a Variant of Uncertain Significance.